The following is an entry in ClinVar:

ClinVar aggregate classification (germline): Benign. Review status: criteria provided, multiple submitters, no conflicts (2 of 4 stars). 2 submissions from 2 submitters: Benign (2). Last evaluated 2018-06-16.

Allele frequency attached by ClinVar (database versions not stated): 1000 Genomes Project 30x 0.68598; 1000 Genomes Project 0.69329; TOPMed 0.71466; gnomAD 0.73214 and 0.73311.
gnomAD v4.1: 111,545 of 152,000 alleles (73%); highest among the groups gnomAD compares: Non-Finnish European, 84%; 42,128 homozygotes.

Submissions (2):

GeneDx
Classification: Benign. Last evaluated: 2018-06-16. Review status: criteria provided, single submitter. Criteria: GeneDx Variant Classification (06012015). Collection method: clinical testing. Allele origin: germline. Affected: yes.
Comment: This variant is considered likely benign or benign based on one or more of the following criteria: it is a conservative change, it occurs at a poorly conserved position in the protein, it is predicted to be benign by multiple in silico algorithms, and/or has population frequency not consistent with disease.

Breakthrough Genomics
Classification: Benign. Review status: criteria provided, single submitter. Criteria: ACMG Guidelines, 2015. Collection method: not provided. Allele origin: germline. Inheritance: Autosomal dominant inheritance. Affected: yes.

NM_005445.4(SMC3):c.1306-159A>G

Gene: SMC3 (structural maintenance of chromosomes 3; plus strand). Cytogenetic location: 10q25.2.
Variant type: single nucleotide variant.
Coding change: c.1306-159A>G on transcript NM_005445.4 (MANE Select); 159 bases into the intron before coding-DNA position 1306, A replaced by G.
Molecular consequence: intron variant.
Genome position (GRCh38, 1-based): chr10:110,589,446, A>G. VCF-style: chr10-110589446-A-G. GRCh37 (hg19) VCF-style: chr10-112349204-A-G.
Identifiers: ClinVar variation 670112 (VCV000670112.2), dbSNP rs2419572, ClinGen allele CA13356207.